The following is an entry in ClinVar:

ClinVar aggregate classification (germline): Uncertain significance (1 of 4 stars; one submission).

Conditions:
Hereditary cancer-predisposing syndrome. Also called: Hereditary neoplastic syndrome; Neoplastic Syndromes, Hereditary; Tumor predisposition; Hereditary Cancer Syndrome. Identifiers: Orphanet 140162, MedGen C0027672, MeSH D009386, MONDO:0015356.

Submission:

Ambry Genetics
Classification: Uncertain significance for Hereditary cancer-predisposing syndrome. Last evaluated: 2025-01-19. Review status: criteria provided, single submitter. Criteria: Ambry Variant Classification Scheme 2023. Collection method: clinical testing. Allele origin: germline.
Comment: The p.D3108G variant (also known as c.9323A>G), located in coding exon 24 of the BRCA2 gene, results from an A to G substitution at nucleotide position 9323. The aspartic acid at codon 3108 is replaced by glycine, an amino acid with similar properties. This amino acid position is conserved. In addition, the in silico prediction for this alteration is inconclusive. Based on the available evidence, the clinical significance of this variant remains unclear.

NM_000059.4(BRCA2):c.9323A>G (p.Asp3108Gly)

Gene: BRCA2 (BRCA2 DNA repair associated; plus strand). Cytogenetic location: 13q13.1.
Variant type: single nucleotide variant.
Coding change: c.9323A>G on transcript NM_000059.4 (MANE Select); coding-DNA position 9323, A replaced by G.
Protein change: p.Asp3108Gly; replaces aspartic acid 3108 with glycine.
Molecular consequence: missense variant. On other transcripts: non-coding transcript variant (1).
Genome position (GRCh38, 1-based): chr13:32,394,755, A>G. VCF-style: chr13-32394755-A-G. GRCh37 (hg19) VCF-style: chr13-32968892-A-G.
Other names: c.9227A>G, p.Asp3076Gly (NM_001406719.1); c.9272A>G, p.Asp3091Gly (NM_001406720.1); c.4391A>G, p.Asp1464Gly (NM_001406721.1); c.2906A>G, p.Asp969Gly (NM_001406722.1); c.9323A>G, p.Asp3108Gly (NM_001432077.1); short protein forms D3076G, D1464G, D3091G, D969G, D3108G.
Identifiers: ClinVar variation 3825441 (VCV003825441.1).